The following is an entry in ClinVar:

ClinVar aggregate classification (germline): Uncertain significance (1 of 4 stars; one submission).

Conditions:
Inborn genetic diseases. Identifiers: MedGen C0950123, MeSH D030342.

Submission:

Ambry Genetics
Classification: Uncertain significance for Inborn genetic diseases. Last evaluated: 2025-05-19. Review status: criteria provided, single submitter. Criteria: Ambry Variant Classification Scheme 2023. Collection method: clinical testing. Allele origin: germline.
Comment: The p.I365V variant (also known as c.1093A>G), located in coding exon 6 of the WT1 gene, results from an A to G substitution at nucleotide position 1093. The isoleucine at codon 365 is replaced by valine, an amino acid with highly similar properties. This amino acid position is conserved. In addition, the in silico prediction for this alteration is inconclusive. Based on the available evidence, the clinical significance of this variant remains unclear.

NM_024426.6(WT1):c.1108A>G (p.Ile370Val)

Gene: WT1 (WT1 transcription factor; minus strand). Cytogenetic location: 11p13.
Variant type: single nucleotide variant.
Coding change: c.1108A>G on transcript NM_024426.6 (MANE Select); coding-DNA position 1108, A replaced by G.
Protein change: p.Ile370Val; replaces isoleucine 370 with valine.
Molecular consequence: missense variant. On other transcripts: 5 prime UTR variant (1), non-coding transcript variant (2).
Genome position (GRCh38, 1-based): chr11:32,399,953, T>C on the plus strand (A>G on the coding strand, the complement: WT1 is on the minus strand). VCF-style: chr11-32399953-T-C. GRCh37 (hg19) VCF-style: chr11-32421499-T-C.
Other names: c.1057A>G, p.Ile353Val (NM_000378.6, NM_001407045.1, NM_001407048.1 and 1 more transcripts); c.457A>G, p.Ile153Val (NM_001198551.2); c.406A>G, p.Ile136Val (NM_001198552.2); c.-81A>G (NM_001367854.1); c.1102A>G, p.Ile368Val (NM_001407044.1); c.1108A>G, p.Ile370Val (NM_001407046.1, NM_024424.5); c.985A>G, p.Ile329Val (NM_001407047.1); c.934A>G, p.Ile312Val (NM_001407050.1); and 3 more; short protein forms I136V, I280V, I116V, I365V, I368V, I370V, I153V, I297V.
Identifiers: ClinVar variation 3982471 (VCV003982471.1).